The following is an entry in ClinVar:

NM_001039141.3(TRIOBP):c.5150A>T (p.Gln1717Leu)

Gene: TRIOBP (TRIO and F-actin binding protein; plus strand). Cytogenetic location: 22q13.1.
Variant type: single nucleotide variant.
Coding change: c.5150A>T on transcript NM_001039141.3 (MANE Select); coding-DNA position 5150, A replaced by T.
Protein change: p.Gln1717Leu; replaces glutamine 1717 with leucine.
Molecular consequence: missense variant.
Genome position (GRCh38, 1-based): chr22:37,738,685, A>T. VCF-style: chr22-37738685-A-T. GRCh37 (hg19) VCF-style: chr22-38134692-A-T.
Other names: short protein forms Q1717L.
Identifiers: ClinVar variation 1358095 (VCV001358095.8), dbSNP rs1924798390, ClinGen allele CA411500764.

ClinVar aggregate classification (germline): Uncertain significance (1 of 4 stars; one submission).

Submission:

Labcorp Genetics (formerly Invitae), Labcorp
Classification: Uncertain significance. Last evaluated: 2024-10-21. Review status: criteria provided, single submitter. Criteria: Invitae Variant Classification Sherloc (09022015). Collection method: clinical testing. Allele origin: germline.
Comment: This sequence change replaces glutamine, which is neutral and polar, with leucine, which is neutral and non-polar, at codon 1717 of the TRIOBP protein (p.Gln1717Leu). This variant is not present in population databases (gnomAD no frequency). This variant has not been reported in the literature in individuals affected with TRIOBP-related conditions. ClinVar contains an entry for this variant (Variation ID: 1358095). An algorithm developed to predict the effect of missense changes on protein structure and function (PolyPhen-2) suggests that this variant is likely to be tolerated. In summary, the available evidence is currently insufficient to determine the role of this variant in disease. Therefore, it has been classified as a Variant of Uncertain Significance.